The following is an entry in ClinVar:

ClinVar aggregate classification (germline): Uncertain significance. Review status: criteria provided, multiple submitters, no conflicts (2 of 4 stars). 2 submissions from 2 submitters: Uncertain significance (2). Last evaluated 2025-10-29.

Conditions:
Inborn genetic diseases. Identifiers: MedGen C0950123, MeSH D030342.
Fibrous dysplasia of jaw (CRBM). Also called: Cherubism. Identifiers: Orphanet 184, MedGen C0008029, MONDO:0007315, OMIM 118400.

Allele frequency attached by ClinVar (database versions not stated): gnomAD exomes 0.00001 and 0.00002; ExAC 0.00002; TOPMed 0.00002.
gnomAD v4.1: 12 of 1,612,576 alleles (0.00074%); highest among the groups gnomAD compares: Admixed American, 0.015%; no homozygotes.

Submissions (2):

Ambry Genetics
Classification: Uncertain significance for Inborn genetic diseases. Last evaluated: 2025-10-29. Review status: criteria provided, single submitter. Criteria: Ambry Variant Classification Scheme 2023. Collection method: clinical testing. Allele origin: germline.

Labcorp Genetics (formerly Invitae), Labcorp
Classification: Uncertain significance for Fibrous dysplasia of jaw. Last evaluated: 2025-08-10. Review status: criteria provided, single submitter. Criteria: Invitae Variant Classification Sherloc (09022015). Collection method: clinical testing. Allele origin: germline.
Comment: This sequence change replaces valine, which is neutral and non-polar, with alanine, which is neutral and non-polar, at codon 378 of the SH3BP2 protein (p.Val378Ala). This variant is present in population databases (rs774058201, gnomAD 0.01%). This variant has not been reported in the literature in individuals affected with SH3BP2-related conditions. ClinVar contains an entry for this variant (Variation ID: 1420351). Invitae Evidence Modeling of protein sequence and biophysical properties (such as structural, functional, and spatial information, amino acid conservation, physicochemical variation, residue mobility, and thermodynamic stability) indicates that this missense variant is not expected to disrupt SH3BP2 protein function with a negative predictive value of 80%. In summary, the available evidence is currently insufficient to determine the role of this variant in disease. Therefore, it has been classified as a Variant of Uncertain Significance.

NM_001122681.2(SH3BP2):c.1133T>C (p.Val378Ala)

Gene: SH3BP2 (SH3 domain binding protein 2; plus strand). Cytogenetic location: 4p16.3.
Variant type: single nucleotide variant.
Coding change: c.1133T>C on transcript NM_001122681.2 (MANE Select); coding-DNA position 1133, T replaced by C.
Protein change: p.Val378Ala; replaces valine 378 with alanine.
Molecular consequence: missense variant.
Genome position (GRCh38, 1-based): chr4:2,830,039, T>C. VCF-style: chr4-2830039-T-C. GRCh37 (hg19) VCF-style: chr4-2831766-T-C.
Other names: c.1217T>C, p.Val406Ala (NM_001145855.2); c.1304T>C, p.Val435Ala (NM_001145856.2); c.1133T>C, p.Val378Ala (NM_003023.4); short protein forms V378A, V435A, V406A.
Identifiers: ClinVar variation 1420351 (VCV001420351.9), dbSNP rs774058201, ClinGen allele CA2819393.